The following is an entry in ClinVar:

NM_001267550.2(TTN):c.83971C>T (p.Gln27991Ter)

Genes: TTN-AS1 (TTN antisense RNA 1; plus strand), TTN (titin; minus strand). Cytogenetic location: 2q31.2.
Variant type: single nucleotide variant.
Coding change: c.83971C>T on transcript NM_001267550.2 (MANE Select); coding-DNA position 83971, C replaced by T.
Protein change: p.Gln27991Ter; replaces glutamine 27991 with a stop codon.
Molecular consequence: nonsense.
Genome position (GRCh38, 1-based): chr2:178,562,161, G>A on the plus strand (C>T on the coding strand, the complement: TTN is on the minus strand). VCF-style: chr2-178562161-G-A. GRCh37 (hg19) VCF-style: chr2-179426888-G-A.
Other names: c.79048C>T, p.Gln26350Ter (NM_001256850.1); c.56776C>T, p.Gln18926Ter (NM_003319.4); c.76267C>T, p.Gln25423Ter (NM_133378.4); c.57151C>T, p.Gln19051Ter (NM_133432.3); c.57352C>T, p.Gln19118Ter (NM_133437.4); c.83971C>T (NM_001267550.1); short protein forms Q18926*, Q19051*, Q19118*, Q25423*, Q26350*, Q27991*.
Identifiers: ClinVar variation 1067472 (VCV001067472.13), dbSNP rs1703920233, ClinGen allele CA349563236.

ClinVar aggregate classification (germline): Pathogenic. Review status: criteria provided, multiple submitters, no conflicts (2 of 4 stars). 2 submissions from 2 submitters: Pathogenic (2). Last evaluated 2025-06-27.

Conditions:
Dilated cardiomyopathy 1G (CMD1G). Identifiers: Orphanet 154, MedGen C1858763, MONDO:0011400, OMIM 604145.
Autosomal recessive limb-girdle muscular dystrophy type 2J (LGMDR10). Also called: Limb-girdle muscular dystrophy, type 2J; MUSCULAR DYSTROPHY, LIMB-GIRDLE, AUTOSOMAL RECESSIVE 10. Identifiers: Orphanet 140922, MedGen C1837342, MONDO:0012127, OMIM 608807.

Allele frequency attached by ClinVar (database versions not stated): gnomAD exomes below 0.00001; TOPMed below 0.00001.
gnomAD v4.1: 1 of 1,613,154 alleles (0.000062%); highest among the groups gnomAD compares: Admixed American, 0.0017%; no homozygotes.

Submissions (2):

Labcorp Genetics (formerly Invitae), Labcorp
Classification: Pathogenic for Dilated cardiomyopathy 1G; Autosomal recessive limb-girdle muscular dystrophy type 2J. Last evaluated: 2025-06-27. Review status: criteria provided, single submitter. Criteria: Invitae Variant Classification Sherloc (09022015). Collection method: clinical testing. Allele origin: germline.
Comment: This sequence change creates a premature translational stop signal (p.Gln27991*) in the TTN gene. While this is not anticipated to result in nonsense mediated decay, it is expected to create a truncated TTN protein. This variant is not present in population databases (gnomAD no frequency). This premature translational stop signal has been observed in individuals with dilated cardiomyopathy (internal data). ClinVar contains an entry for this variant (Variation ID: 1067472). This variant is located in the A band of TTN (PMID: 25589632). Truncating variants in this region are significantly overrepresented in patients affected with dilated cardiomyopathy (PMID: 25589632). Truncating variants in this region have also been reported in individuals affected with autosomal recessive centronuclear myopathy (PMID: 23975875). For these reasons, this variant has been classified as Pathogenic.

GeneDx
Classification: Pathogenic. Last evaluated: 2024-08-01. Review status: criteria provided, single submitter. Criteria: GeneDx Variant Classification Process June 2021. Collection method: clinical testing. Allele origin: germline. Affected: yes.
Comment: Reported as an incidental finding in at least one individual undergoing exome sequencing (PMID: 33226272); Not observed at significant frequency in large population cohorts (gnomAD); Nonsense variant predicted to result in protein truncation or nonsense mediated decay in a gene for which loss of function is a known mechanism of disease; This variant is associated with the following publications: (PMID: 22335739, 33226272)

Literature cited by the submitters: PubMed 25589632 (cited by Labcorp Genetics (formerly Invitae), Labcorp); PubMed 23975875 (cited by Labcorp Genetics (formerly Invitae), Labcorp).